The following is an entry in ClinVar:

ClinVar aggregate classification (germline): Uncertain significance. Review status: criteria provided, multiple submitters, no conflicts (2 of 4 stars). 3 submissions from 3 submitters: Uncertain significance (3). Last evaluated 2024-03-11.

Conditions:
Inborn genetic diseases. Identifiers: MedGen C0950123, MeSH D030342.
Deficiency of malonyl-CoA decarboxylase. Also called: Malonic aciduria; MCD deficiency. Identifiers: Orphanet 943, MedGen C0342793, MONDO:0009556, OMIM 248360.

Allele frequency attached by ClinVar (database versions not stated): gnomAD exomes 0.00001 and 0.00002; ExAC 0.00002; gnomAD 0.00003; ESP Exome Variant Server 0.00008; TOPMed 0.00008.

Submissions (3):

Labcorp Genetics (formerly Invitae), Labcorp
Classification: Uncertain significance for Deficiency of malonyl-CoA decarboxylase. Last evaluated: 2024-03-11. Review status: criteria provided, single submitter. Criteria: Invitae Variant Classification Sherloc (09022015). Collection method: clinical testing. Allele origin: germline.
Comment: This sequence change replaces tyrosine, which is neutral and polar, with cysteine, which is neutral and slightly polar, at codon 414 of the MLYCD protein (p.Tyr414Cys). This variant is present in population databases (rs368099850, gnomAD 0.02%). This variant has not been reported in the literature in individuals affected with MLYCD-related conditions. ClinVar contains an entry for this variant (Variation ID: 1000375). An algorithm developed to predict the effect of missense changes on protein structure and function (PolyPhen-2) suggests that this variant is likely to be disruptive. In summary, the available evidence is currently insufficient to determine the role of this variant in disease. Therefore, it has been classified as a Variant of Uncertain Significance.

Ambry Genetics
Classification: Uncertain significance for Inborn genetic diseases. Last evaluated: 2022-07-27. Review status: criteria provided, single submitter. Criteria: Ambry Variant Classification Scheme 2023. Collection method: clinical testing. Allele origin: germline.

Blueprint Genetics
Classification: Uncertain significance. Last evaluated: 2019-04-29. Review status: criteria provided, single submitter. Criteria: ACMG Guidelines, 2015. Collection method: clinical testing. Allele origin: germline.

NM_012213.3(MLYCD):c.1241A>G (p.Tyr414Cys)

Gene: MLYCD (malonyl-CoA decarboxylase; plus strand). Cytogenetic location: 16q23.3.
Variant type: single nucleotide variant.
Coding change: c.1241A>G on transcript NM_012213.3 (MANE Select); coding-DNA position 1241, A replaced by G.
Protein change: p.Tyr414Cys; replaces tyrosine 414 with cysteine.
Molecular consequence: missense variant.
Genome position (GRCh38, 1-based): chr16:83,915,248, A>G. VCF-style: chr16-83915248-A-G. GRCh37 (hg19) VCF-style: chr16-83948853-A-G.
Other names: c.1241A>G (NM_012213.2); short protein forms Y414C.
Identifiers: ClinVar variation 1000375 (VCV001000375.7), dbSNP rs368099850, ClinGen allele CA8197564.